The following is an entry in ClinVar:

NM_000093.5(COL5A1):c.1540_1541delinsTT (p.Gly514Phe)

Gene: COL5A1 (collagen type V alpha 1 chain; plus strand). Cytogenetic location: 9q34.3.
Variant type: Indel.
Coding change: c.1540_1541delinsTT on transcript NM_000093.5 (MANE Select); coding-DNA positions 1540 to 1541, GG replaced by TT.
Protein change: p.Gly514Phe; replaces glycine 514 with phenylalanine.
Molecular consequence: missense variant.
Genome position (GRCh38, 1-based): chr9:134,750,587-134,750,588, GG replaced by TT. VCF-style: chr9-134750587-GG-TT. GRCh37 (hg19) VCF-style: chr9-137642433-GG-TT.
Other names: c.1540_1541delinsTT, p.Gly514Phe (NM_001278074.1); short protein forms G514F.
Identifiers: ClinVar variation 4855981 (VCV004855981.1).

ClinVar aggregate classification (germline): Likely pathogenic (1 of 4 stars; one submission).

Conditions:
Fibromuscular dysplasia, multifocal. Identifiers: MedGen C5543412, MONDO:0859151, OMIM 619329.

Submission:

3billion
Classification: Likely pathogenic for Fibromuscular dysplasia, multifocal. Last evaluated: 2025-10-23. Review status: criteria provided, single submitter. Criteria: ACMG Guidelines, 2015. Collection method: clinical testing. Allele origin: germline. Affected: yes.
Comment: The variant is not observed in the gnomAD v4.1.0 dataset. Predicted Consequence/Location: The variant is located in a mutational hot spot and/or well-established functional domain. The majority of the known disease-causing variants of this gene are variants expected to result in premature termination of the protein. In silico tool predictions suggest damaging effect of the variant on gene or gene product [3Cnet: 0.98 (> 0.75, sensitivity 0.96 and precision 0.92)]. A different missense change at the same codon (p.Gly514Ser) has been reported as pathogenic/likely pathogenic with strong evidence (ClinVar ID: VCV000236997 /PMID: 32938213). Therefore, this variant is classified as Likely pathogenic according to the recommendation of ACMG/AMP guideline.

Literature cited by the submitters: PubMed 32938213.